The following is an entry in ClinVar:

ClinVar aggregate classification (germline): Uncertain significance. Review status: criteria provided, single submitter (1 of 4 stars). 2 submissions from 2 submitters: Uncertain significance (1). 1 of the submissions does not count toward it. Last evaluated 2024-09-22.

Conditions:
CACNA1A-related disorder. Also called: CACNA1A-related condition.

gnomAD v4.1: 2 of 1,613,906 alleles (0.00012%); highest among the groups gnomAD compares: Non-Finnish European, 0.00017%; no homozygotes.

Submissions (2):

GeneDx
Classification: Uncertain significance. Last evaluated: 2024-09-22. Review status: criteria provided, single submitter. Criteria: GeneDx Variant Classification Process June 2021. Collection method: clinical testing. Allele origin: germline. Affected: yes.
Comment: Not observed at significant frequency in large population cohorts (gnomAD); In silico analysis supports that this missense variant has a deleterious effect on protein structure/function; Has not been previously published as pathogenic or benign to our knowledge

PreventionGenetics, part of Exact Sciences
Classification: Uncertain significance for CACNA1A-related condition. Last evaluated: 2024-06-27. Review status: no assertion criteria provided. Collection method: clinical testing. Allele origin: germline. Not counted in ClinVar's aggregate classification.
Comment: The CACNA1A c.1939C>G variant is predicted to result in the amino acid substitution p.Pro647Ala. To our knowledge, this variant has not been reported in the literature. This variant is reported in 0.00088% of alleles in individuals of European (Non-Finnish) descent in gnomAD. At this time, the clinical significance of this variant is uncertain due to the absence of conclusive functional and genetic evidence.

NM_001127222.2(CACNA1A):c.1939C>G (p.Pro647Ala)

Gene: CACNA1A (calcium voltage-gated channel subunit alpha1 A; minus strand). Cytogenetic location: 19p13.13.
Variant type: single nucleotide variant.
Coding change: c.1939C>G on transcript NM_001127222.2 (MANE Select); coding-DNA position 1939, C replaced by G.
Protein change: p.Pro647Ala; replaces proline 647 with alanine.
Molecular consequence: missense variant.
Genome position (GRCh38, 1-based): chr19:13,307,829, G>C on the plus strand (C>G on the coding strand, the complement: CACNA1A is on the minus strand). VCF-style: chr19-13307829-G-C. GRCh37 (hg19) VCF-style: chr19-13418643-G-C.
Other names: c.1942C>G, p.Pro648Ala (NM_000068.4, NM_001127221.2, NM_001174080.2 and 1 more transcripts); short protein forms P647A, P648A.
Identifiers: ClinVar variation 3345741 (VCV003345741.2).
Genomic context (GRCh38, chr19:13,307,829, plus strand): 5'-GTGGAGGCTGTACCTGAAACACCGTCATTATTGCTGCTGGAAAAGTATCGAAGTTGGTGG[G>C]AGGAGTCCCTTCATCGAAATTAAACCTGCAGGGAGGACACAGACATTTCACGTTGGCCCC-3'
Protein context (NP_001120694.1, residues 637-657): GQFNFDEGTP[Pro647Ala]TNFDTFPAAI